The following is an entry in ClinVar:

NM_020987.5(ANK3):c.11596C>G (p.Pro3866Ala)

Gene: ANK3 (ankyrin 3; minus strand). Cytogenetic location: 10q21.2.
Variant type: single nucleotide variant.
Coding change: c.11596C>G on transcript NM_020987.5 (MANE Select); coding-DNA position 11596, C replaced by G.
Protein change: p.Pro3866Ala; replaces proline 3866 with alanine.
Molecular consequence: missense variant. On other transcripts: intron variant (4).
Genome position (GRCh38, 1-based): chr10:60,069,285, G>C on the plus strand (C>G on the coding strand, the complement: ANK3 is on the minus strand). VCF-style: chr10-60069285-G-C. GRCh37 (hg19) VCF-style: chr10-61829043-G-C.
Other names: c.4388-1276C>G (NM_001204403.2); c.4409-1276C>G (NM_001204404.2); c.4406-1276C>G (NM_001320874.2); c.1808-1276C>G (NM_001149.4); short protein forms P3866A.
Identifiers: ClinVar variation 3770048 (VCV003770048.1).

ClinVar aggregate classification (germline): Uncertain significance (1 of 4 stars; one submission).

Submission:

GeneDx
Classification: Uncertain significance. Last evaluated: 2024-09-12. Review status: criteria provided, single submitter. Criteria: GeneDx Variant Classification Process June 2021. Collection method: clinical testing. Allele origin: germline. Affected: yes.
Comment: Not observed at significant frequency in large population cohorts (gnomAD); In silico analysis supports that this missense variant has a deleterious effect on protein structure/function; Has not been previously published as pathogenic or benign to our knowledge